The following is an entry in ClinVar:

NM_004068.4(AP2M1):c.1185G>A (p.Ala395=)

Gene: AP2M1 (adaptor related protein complex 2 subunit mu 1; plus strand). Cytogenetic location: 3q27.1.
Variant type: single nucleotide variant.
Coding change: c.1185G>A on transcript NM_004068.4 (MANE Select); coding-DNA position 1185, G replaced by A.
Protein change: p.Ala395=; no amino-acid change (alanine 395 retained).
Molecular consequence: synonymous variant.
Genome position (GRCh38, 1-based): chr3:184,183,493, G>A. VCF-style: chr3-184183493-G-A. GRCh37 (hg19) VCF-style: chr3-183901281-G-A.
Other names: p.Ala395=; c.1260G>A (NM_001311198.1); c.1179G>A, p.Ala393= (NM_001025205.2); c.1260G>A, p.Ala420= (NM_001311198.2).
Identifiers: ClinVar variation 1192406 (VCV001192406.15), dbSNP rs2231224, ClinGen allele CA2727922.

ClinVar aggregate classification (germline): Benign. Review status: criteria provided, multiple submitters, no conflicts (2 of 4 stars). 5 submissions from 5 submitters: Benign (4). 1 of the submissions does not count toward it. Last evaluated 2026-02-04.

Conditions:
Intellectual developmental disorder 60 with seizures. Also called: MENTAL RETARDATION, AUTOSOMAL DOMINANT 60, WITH SEIZURES; INTELLECTUAL DEVELOPMENTAL DISORDER, AUTOSOMAL DOMINANT 60, WITH SEIZURES. Identifiers: MedGen C5231497, MONDO:0032823, OMIM 618587.
AP2M1-related disorder. Also called: AP2M1-related condition.

Allele frequency attached by ClinVar (database versions not stated): ESP Exome Variant Server 0.10769; gnomAD 0.11332 and 0.11262; 1000 Genomes Project 30x 0.07542; gnomAD exomes 0.12753 and 0.15238; ExAC 0.13296; 1000 Genomes Project 0.07348; TOPMed 0.10480.
gnomAD v4.1: 239,018 of 1,613,974 alleles (15%); highest among the groups gnomAD compares: South Asian, 17%; 19,463 homozygotes.

Submissions (5):

Labcorp Genetics (formerly Invitae), Labcorp
Classification: Benign. Last evaluated: 2026-02-04. Review status: criteria provided, single submitter. Criteria: Invitae Variant Classification Sherloc (09022015). Collection method: clinical testing. Allele origin: germline.

Mayo Clinic Laboratories, Mayo Clinic
Classification: Benign. Last evaluated: 2021-11-29. Review status: criteria provided, single submitter. Criteria: ACMG Guidelines, 2015. Collection method: clinical testing. Allele origin: germline. Observed: 47 variant alleles.

Genome-Nilou Lab
Classification: Benign for Intellectual developmental disorder 60 with seizures. Last evaluated: 2021-07-14. Review status: criteria provided, single submitter. Criteria: ACMG Guidelines, 2015. Collection method: clinical testing. Allele origin: germline. Affected: no.

Breakthrough Genomics
Classification: Benign. Review status: criteria provided, single submitter. Criteria: ACMG Guidelines, 2015. Collection method: not provided. Allele origin: germline. Inheritance: Autosomal dominant inheritance. Affected: yes.

PreventionGenetics, part of Exact Sciences
Classification: Benign for AP2M1-related condition. Last evaluated: 2019-11-05. Review status: no assertion criteria provided. Collection method: clinical testing. Allele origin: germline. Not counted in ClinVar's aggregate classification.
Comment: This variant is classified as benign based on ACMG/AMP sequence variant interpretation guidelines (Richards et al. 2015 PMID: 25741868, with internal and published modifications).